The following is an entry in ClinVar:

NM_000548.5(TSC2):c.204A>G (p.Ala68=)

Gene: TSC2 (TSC complex subunit 2; plus strand). Cytogenetic location: 16p13.3.
Variant type: single nucleotide variant.
Coding change: c.204A>G on transcript NM_000548.5 (MANE Select); coding-DNA position 204, A replaced by G.
Protein change: p.Ala68=; no amino-acid change (alanine 68 retained).
Molecular consequence: synonymous variant. On other transcripts: 5 prime UTR variant (20), non-coding transcript variant (5).
Genome position (GRCh38, 1-based): chr16:2,050,465, A>G. VCF-style: chr16-2050465-A-G. GRCh37 (hg19) VCF-style: chr16-2100466-A-G.
Other names: c.204A>G, p.Ala68= (NM_001077183.3, NM_001114382.3, NM_001318827.2 and 13 more transcripts); c.57A>G, p.Ala19= (NM_001318829.2, NM_001406675.1, NM_001406676.1 and 2 more transcripts); c.-23A>G (NM_001318831.2, NM_001406682.1, NM_001406684.1 and 3 more transcripts); c.237A>G, p.Ala79= (NM_001318832.2); c.-613A>G (NM_001406680.1, NM_001406683.1, NM_001406687.1); c.-242A>G (NM_001406681.1); c.-1228A>G (NM_001406689.1, NM_001406690.1, NM_001406691.1 and 2 more transcripts); c.-1534A>G (NM_001406693.1); and 3 more.
Identifiers: ClinVar variation 1785024 (VCV001785024.3), dbSNP rs2548373174, ClinGen allele CA492954915.

ClinVar aggregate classification (germline): Benign/Likely benign. Review status: criteria provided, multiple submitters, no conflicts (2 of 4 stars). 2 submissions from 2 submitters: Benign (1); Likely benign (1). Last evaluated 2025-05-02.

Conditions:
Hereditary cancer-predisposing syndrome. Also called: Tumor predisposition; Neoplastic Syndromes, Hereditary; Hereditary Cancer Syndrome; Hereditary neoplastic syndrome. Identifiers: Orphanet 140162, MedGen C0027672, MeSH D009386, MONDO:0015356.
Tuberous sclerosis 2 (TSC2). Identifiers: Orphanet 805, MedGen C1860707, MONDO:0013199, OMIM 613254.

Submissions (2):

Myriad Genetics, Inc.
Classification: Benign for Tuberous sclerosis 2. Last evaluated: 2025-05-02. Review status: criteria provided, single submitter. Criteria: Myriad Autosomal Dominant, Autosomal Recessive and X-Linked Classification Criteria (2023). Collection method: clinical testing. Allele origin: unknown.
Comment: This variant is considered benign. This variant is a silent/synonymous amino acid change and it is not expected to impact splicing.

Ambry Genetics
Classification: Likely benign for Hereditary cancer-predisposing syndrome. Last evaluated: 2020-09-22. Review status: criteria provided, single submitter. Criteria: Ambry Variant Classification Scheme 2023. Collection method: clinical testing. Allele origin: germline.